The following is an entry in ClinVar:

ClinVar aggregate classification (germline): Pathogenic/Likely pathogenic. Review status: criteria provided, multiple submitters, no conflicts (2 of 4 stars). 7 submissions from 7 submitters: Pathogenic (6); Likely pathogenic (1). Last evaluated 2025-11-13.

Conditions:
AHI1-related disorder. Also called: AHI1-related condition.
Joubert syndrome 3 (JBTS3). Also called: AHI1-related Ciliopathy. Identifiers: Orphanet 220493, MedGen C1837713, MONDO:0012078, OMIM 608629.
Joubert syndrome. Also called: JOUBERT-BOLTSHAUSER SYNDROME; Familial aplasia of the vermis. Identifiers: Orphanet 475, MedGen C5979921, MONDO:0018772.

Allele frequency attached by ClinVar (database versions not stated): gnomAD 0.00001; gnomAD exomes 0.00001; TOPMed 0.00002.
gnomAD v4.1: 11 of 1,610,562 alleles (0.00068%); highest among the groups gnomAD compares: Non-Finnish European, 0.00085%; no homozygotes.

Submissions (7):

First Genomix Gene Laboratory, Genetic Diagnostics Department
Classification: Pathogenic for Joubert syndrome 3. Last evaluated: 2025-11-13. Review status: criteria provided, single submitter. Criteria: ACMG Guidelines, 2015. Collection method: clinical testing. Allele origin: germline. Inheritance: Autosomal recessive inheritance. Affected: no. Observed: 1 variant allele.

PreventionGenetics, part of Exact Sciences
Classification: Pathogenic for AHI1-related condition. Last evaluated: 2025-04-07. Review status: criteria provided, single submitter. Criteria: ACMG Guidelines, 2015. Collection method: clinical testing. Allele origin: germline.
Comment: The AHI1 c.2687A>G variant is predicted to result in the amino acid substitution p.His896Arg. This variant has been reported to segregate with Joubert syndrome in a consanguineous family (affected siblings were homozygous for this variant and parents and the unaffected sibling were heterozygous) (Family K8134, Parisi et al. 2006. PubMed ID: 16155189). This variant has also been reported in a patient with autosomal recessive inherited retinal disease (Supplementary table S1, Karali et al. 2022. PubMed ID: 36460718 ). This variant has not been reported in a large population database, indicating this variant is rare. This variant is interpreted as pathogenic.

Myriad Genetics, Inc.
Classification: Likely pathogenic for Joubert syndrome 3. Last evaluated: 2025-01-31. Review status: criteria provided, single submitter. Criteria: Myriad Autosomal Dominant, Autosomal Recessive and X-Linked Classification Criteria (2023). Collection method: clinical testing. Allele origin: unknown.
Comment: NM_001134831.1(AHI1):c.2687A>G(H896R) is a missense variant classified as likely pathogenic in the context of Joubert syndrome, AHI1-related. H896R has been observed in cases with relevant disease (PMID: 16155189, Nuovo_2019_(Thesis)). Relevant functional assessments of this variant are available in the literature (PMID: 21623382). H896R has not been observed in referenced population frequency databases. In summary, NM_001134831.1(AHI1):c.2687A>G(H896R) is a missense variant that has been observed more frequently in cases with the relevant disease than in healthy populations. Please note: this variant was assessed in the context of healthy population screening.

Blueprint Genetics
Classification: Pathogenic for AHI1-related disorders. Last evaluated: 2024-06-07. Review status: criteria provided, single submitter. Criteria: ACMG Guidelines, 2015. Collection method: clinical testing. Allele origin: germline. Affected: yes. Observed: 4 variant alleles.

Labcorp Genetics (formerly Invitae), Labcorp
Classification: Pathogenic for Joubert syndrome. Last evaluated: 2023-12-15. Review status: criteria provided, single submitter. Criteria: Invitae Variant Classification Sherloc (09022015). Collection method: clinical testing. Allele origin: germline.
Comment: This sequence change replaces histidine, which is basic and polar, with arginine, which is basic and polar, at codon 896 of the AHI1 protein (p.His896Arg). This variant is not present in population databases (gnomAD no frequency). This missense change has been observed in individuals with Joubert syndrome or non-syndromic retinal dystrophy (PMID: 16155189, 28442542; Invitae). It has also been observed to segregate with disease in related individuals. ClinVar contains an entry for this variant (Variation ID: 217532). Advanced modeling of protein sequence and biophysical properties (such as structural, functional, and spatial information, amino acid conservation, physicochemical variation, residue mobility, and thermodynamic stability) performed at Invitae indicates that this missense variant is expected to disrupt AHI1 protein function with a positive predictive value of 95%. For these reasons, this variant has been classified as Pathogenic.

CeGaT Center for Human Genetics Tuebingen
Classification: Pathogenic. Last evaluated: 2017-07-01. Review status: criteria provided, single submitter. Criteria: CeGaT Center For Human Genetics Tuebingen Variant Classification Criteria Version 2. Collection method: clinical testing. Allele origin: germline. Affected: yes. Observed: 1 variant allele.

UW Hindbrain Malformation Research Program, University of Washington
Classification: Pathogenic for Joubert syndrome 3. Last evaluated: 2015-02-23. Review status: criteria provided, single submitter. Criteria: Bachmann-Gagescu et al. (J Med Genet. 2015). Collection method: research. Allele origin: unknown. Affected: yes.

Literature cited by the submitters: PubMed 21623382 (cited by Myriad Genetics, Inc.); PubMed 16155189 (cited by Labcorp Genetics (formerly Invitae), Labcorp); PubMed 28442542 (cited by Labcorp Genetics (formerly Invitae), Labcorp).

NM_001134831.2(AHI1):c.2687A>G (p.His896Arg)

Gene: AHI1 (Abelson helper integration site 1; minus strand). Cytogenetic location: 6q23.3.
Variant type: single nucleotide variant.
Coding change: c.2687A>G on transcript NM_001134831.2 (MANE Select); coding-DNA position 2687, A replaced by G.
Protein change: p.His896Arg; replaces histidine 896 with arginine.
Molecular consequence: missense variant.
Genome position (GRCh38, 1-based): chr6:135,427,244, T>C on the plus strand (A>G on the coding strand, the complement: AHI1 is on the minus strand). VCF-style: chr6-135427244-T-C. GRCh37 (hg19) VCF-style: chr6-135748382-T-C.
Other names: c.2687A>G, p.His896Arg (NM_001134830.2, NM_001134832.2, NM_001350503.2 and 2 more transcripts); short protein forms H896R.
Identifiers: ClinVar variation 217532 (VCV000217532.54), dbSNP rs863225135, ClinGen allele CA279374.